The following is an entry in ClinVar:

NM_006118.4(HAX1):c.167A>C (p.His56Pro)

Gene: HAX1 (HCLS1 associated protein X-1; plus strand). Cytogenetic location: 1q21.3.
Variant type: single nucleotide variant.
Coding change: c.167A>C on transcript NM_006118.4 (MANE Select); coding-DNA position 167, A replaced by C.
Protein change: p.His56Pro; replaces histidine 56 with proline.
Molecular consequence: missense variant. On other transcripts: intron variant (1).
Genome position (GRCh38, 1-based): chr1:154,273,449, A>C. VCF-style: chr1-154273449-A-C. GRCh37 (hg19) VCF-style: chr1-154245925-A-C.
Other names: c.54-31A>C (NM_001018837.2); short protein forms H56P.
Identifiers: ClinVar variation 3856852 (VCV003856852.1).
Genomic context (GRCh38, chr1:154,273,449, plus strand): 5'-AAGAAGAAGAAGAAGGGGGCTCATGGGGCCGTGGGAACCCAAGGTTCCATAGTCCTCAGC[A>C]CCCCCCTGAGGAATTTGGCTTCGGCTTCAGCTTCAGCCCAGGAGGAGGGATACGTTTCCA-3'
Protein context (NP_006109.2, residues 46-66): RGNPRFHSPQ[His56Pro]PPEEFGFGFS

ClinVar aggregate classification (germline): Uncertain significance (1 of 4 stars; one submission).

Conditions:
Inborn genetic diseases. Identifiers: MedGen C0950123, MeSH D030342.

Submission:

Ambry Genetics
Classification: Uncertain significance for Inborn genetic diseases. Last evaluated: 2024-12-13. Review status: criteria provided, single submitter. Criteria: Ambry Variant Classification Scheme 2023. Collection method: clinical testing. Allele origin: germline.
Comment: The p.H56P variant (also known as c.167A>C), located in coding exon 2 of the HAX1 gene, results from an A to C substitution at nucleotide position 167. The histidine at codon 56 is replaced by proline, an amino acid with similar properties. This amino acid position is conserved. In addition, this alteration is predicted to be tolerated by in silico analysis. Based on the available evidence, the clinical significance of this variant remains unclear.